The following is an entry in ClinVar:

ClinVar aggregate classification (germline): Uncertain significance. Review status: criteria provided, multiple submitters, no conflicts (2 of 4 stars). 2 submissions from 2 submitters: Uncertain significance (2). Last evaluated 2025-03-17.

Conditions:
Connective tissue disorder. Also called: Connective tissue disease. Identifiers: MedGen C0009782, MONDO:0003900.
Familial thoracic aortic aneurysm and aortic dissection (TAAD). Also called: Thoracic aortic aneurysms and dissections. Identifiers: Orphanet 91387, MedGen C4707243, MONDO:0019625.

Submissions (2):

Color Diagnostics, LLC DBA Color Health
Classification: Uncertain significance for Familial thoracic aortic aneurysm and aortic dissection. Last evaluated: 2025-03-17. Review status: criteria provided, single submitter. Criteria: ACMG Guidelines, 2015. Collection method: clinical testing. Allele origin: germline.
Comment: This missense variant replaces glutamine with arginine at codon 1700 of the MYH11 protein. Computational prediction suggests that this variant may not impact protein structure and function (internally defined REVEL score threshold <= 0.5, PMID: 27666373). To our knowledge, functional studies have not been reported for this variant. This variant has not been reported in individuals affected with MYH11-related disorders in the literature. This variant has not been identified in the general population by the Genome Aggregation Database (gnomAD). The available evidence is insufficient to determine the role of this variant in disease conclusively. Therefore, this variant is classified as a Variant of Uncertain Significance.

Center for Human Genetics, Inc
Classification: Uncertain significance for Connective tissue disorder. Last evaluated: 2016-11-01. Review status: criteria provided, single submitter. Criteria: ACMG Guidelines, 2015. Collection method: clinical testing. Allele origin: germline. Affected: yes.

NM_002474.3(MYH11):c.5078A>G (p.Gln1693Arg)

Genes: NDE1 (nudE neurodevelopment protein 1; plus strand), MYH11 (myosin heavy chain 11; minus strand). Cytogenetic location: 16p13.11.
Variant type: single nucleotide variant.
Coding change: c.5078A>G on transcript NM_002474.3 (MANE Select); coding-DNA position 5078, A replaced by G.
Protein change: p.Gln1693Arg; replaces glutamine 1693 with arginine.
Molecular consequence: missense variant. On other transcripts: intron variant (2).
Genome position (GRCh38, 1-based): chr16:15,719,589, T>C on the plus strand (A>G on the coding strand, the complement: MYH11 is on the minus strand). VCF-style: chr16-15719589-T-C. GRCh37 (hg19) VCF-style: chr16-15813446-T-C.
Other names: c.5099A>G, p.Gln1700Arg (NM_001040113.2, NM_001040114.2); c.5078A>G, p.Gln1693Arg (NM_022844.3); c.948-4602T>C (NM_001143979.2, NM_017668.3); short protein forms Q1693R, Q1700R.
Identifiers: ClinVar variation 547548 (VCV000547548.2), dbSNP rs1555551464, ClinGen allele CA394851233.